The following is an entry in ClinVar:

ClinVar aggregate classification (germline): Conflicting classifications of pathogenicity. Review status: criteria provided, conflicting classifications (1 of 4 stars). 7 submissions from 7 submitters: Uncertain significance (3); Likely benign (3). 1 of the submissions does not count toward it. Last evaluated 2025-12-15.

Conditions:
CDK5RAP2-related disorder. Also called: CDK5RAP2-related condition.
Microcephaly 3, primary, autosomal recessive. Identifiers: Orphanet 2512, MedGen C1858108, MONDO:0011488, OMIM 604804.

Allele frequency attached by ClinVar (database versions not stated): gnomAD 0.00023 and 0.00026; TOPMed 0.00023; ESP Exome Variant Server 0.00031; gnomAD exomes 0.00034 and 0.00049; ExAC 0.00053.
gnomAD v4.1: 565 of 1,613,628 alleles (0.035%); highest among the groups gnomAD compares: Middle Eastern, 0.25%; 2 homozygotes.

Submissions (7):

Labcorp Genetics (formerly Invitae), Labcorp
Classification: Likely benign. Last evaluated: 2025-12-15. Review status: criteria provided, single submitter. Criteria: Invitae Variant Classification Sherloc (09022015). Collection method: clinical testing. Allele origin: germline.

CeGaT Center for Human Genetics Tuebingen
Classification: Likely benign. Last evaluated: 2025-10-01. Review status: criteria provided, single submitter. Criteria: CeGaT Center For Human Genetics Tuebingen Variant Classification Criteria Version 2. Collection method: clinical testing. Allele origin: germline. Affected: yes. Observed: 4 variant alleles.
Comment: CDK5RAP2: BP4

Blueprint Genetics
Classification: Likely benign. Last evaluated: 2024-11-25. Review status: criteria provided, single submitter. Criteria: ACMG Guidelines, 2015. Collection method: clinical testing. Allele origin: germline.

Illumina Laboratory Services, Illumina
Classification: Uncertain significance for Microcephaly 3, primary, autosomal recessive. Last evaluated: 2017-04-27. Review status: criteria provided, single submitter. Criteria: ICSL Variant Classification Criteria 13 December 2019. Collection method: clinical testing. Allele origin: germline.

GeneDx
Classification: Uncertain significance. Last evaluated: 2015-10-06. Review status: criteria provided, single submitter. Criteria: GeneDx Variant Classification (06012015). Collection method: clinical testing. Allele origin: germline. Affected: yes.
Comment: A variant of uncertain significance has been identified in the CDK5RAP2 gene. The T308I variant has not been published as a pathogenic variant, nor has it been reported as a benign variant to our knowledge. It was not observed with any significant frequency in approximately 6,500 individuals of European and African American ancestry in the NHLBI Exome Sequencing Project. The T308I variant is a non-conservative amino acid substitution, which is likely to impact secondary protein structure as these residues differ in polarity, charge, size and/or other properties. However, this substitution occurs at a position that is not conserved and in silico analysis is inconsistent in its predictions as to whether or not the variant is damaging to the protein structure/function. Therefore, based on the currently available information, it is unclear whether this variant is a pathogenic variant or a rare benign variant.

Genetic Services Laboratory, University of Chicago
Classification: Uncertain significance for Microcephaly 3, primary, autosomal recessive. Last evaluated: 2014-03-19. Review status: criteria provided, single submitter. Criteria: ACMG Guidelines, 2007. Collection method: clinical testing. Allele origin: germline. Inheritance: Autosomal recessive inheritance.

PreventionGenetics, part of Exact Sciences
Classification: Likely benign for CDK5RAP2-related condition. Last evaluated: 2020-03-10. Review status: no assertion criteria provided. Collection method: clinical testing. Allele origin: germline. Not counted in ClinVar's aggregate classification.
Comment: This variant is classified as likely benign based on ACMG/AMP sequence variant interpretation guidelines (Richards et al. 2015 PMID: 25741868, with internal and published modifications).

NM_018249.6(CDK5RAP2):c.923C>T (p.Thr308Ile)

Gene: CDK5RAP2 (CDK5 regulatory subunit associated protein 2; minus strand). Cytogenetic location: 9q33.2.
Variant type: single nucleotide variant.
Coding change: c.923C>T on transcript NM_018249.6 (MANE Select); coding-DNA position 923, C replaced by T.
Protein change: p.Thr308Ile; replaces threonine 308 with isoleucine.
Molecular consequence: missense variant. On other transcripts: non-coding transcript variant (5).
Genome position (GRCh38, 1-based): chr9:120,527,882, G>A on the plus strand (C>T on the coding strand, the complement: CDK5RAP2 is on the minus strand). VCF-style: chr9-120527882-G-A. GRCh37 (hg19) VCF-style: chr9-123290160-G-A.
Other names: c.923C>T, p.Thr308Ile (NM_001011649.3, NM_001272039.2); short protein forms T308I.
Identifiers: ClinVar variation 158173 (VCV000158173.62), dbSNP rs145272328, ClinGen allele CA271245.